The following is an entry in ClinVar:

NM_001958.5(EEF1A2):c.325-6G>A

Gene: EEF1A2 (eukaryotic translation elongation factor 1 alpha 2; minus strand). Cytogenetic location: 20q13.33.
Variant type: single nucleotide variant.
Coding change: c.325-6G>A on transcript NM_001958.5 (MANE Select); 6 bases into the intron before coding-DNA position 325, G replaced by A.
Molecular consequence: intron variant.
Genome position (GRCh38, 1-based): chr20:63,495,107, C>T on the plus strand (G>A on the coding strand, the complement: EEF1A2 is on the minus strand). VCF-style: chr20-63495107-C-T. GRCh37 (hg19) VCF-style: chr20-62126460-C-T.
Identifiers: ClinVar variation 2104109 (VCV002104109.4), dbSNP rs2145944984, ClinGen allele CA2572090539.

ClinVar aggregate classification (germline): Uncertain significance (1 of 4 stars; one submission).

Conditions:
Developmental and epileptic encephalopathy, 33 (DEE33). Also called: Epileptic encephalopathy, early infantile, 33. Identifiers: Orphanet 442835, MedGen C4225337, MONDO:0014625, OMIM 616409.

gnomAD v4.1: 2 of 1,604,738 alleles (0.00012%); highest among the groups gnomAD compares: Non-Finnish European, 0.00017%; no homozygotes.

Submission:

Labcorp Genetics (formerly Invitae), Labcorp
Classification: Uncertain significance for Developmental and epileptic encephalopathy, 33. Last evaluated: 2025-07-13. Review status: criteria provided, single submitter. Criteria: Invitae Variant Classification Sherloc (09022015). Collection method: clinical testing. Allele origin: germline.
Comment: This sequence change falls in intron 3 of the EEF1A2 gene. It does not directly change the encoded amino acid sequence of the EEF1A2 protein. This variant is not present in population databases (gnomAD no frequency). This variant has not been reported in the literature in individuals affected with EEF1A2-related conditions. ClinVar contains an entry for this variant (Variation ID: 2104109). Algorithms developed to predict the effect of sequence changes on RNA splicing suggest that this variant may disrupt the consensus splice site. In summary, the available evidence is currently insufficient to determine the role of this variant in disease. Therefore, it has been classified as a Variant of Uncertain Significance.